The following is an entry in ClinVar:

NM_003052.5(SLC34A1):c.710T>C (p.Leu237Pro)

Gene: SLC34A1 (solute carrier family 34 member 1; plus strand). Cytogenetic location: 5q35.3.
Variant type: single nucleotide variant.
Coding change: c.710T>C on transcript NM_003052.5 (MANE Select); coding-DNA position 710, T replaced by C.
Protein change: p.Leu237Pro; replaces leucine 237 with proline.
Molecular consequence: missense variant.
Genome position (GRCh38, 1-based): chr5:177,388,059, T>C. VCF-style: chr5-177388059-T-C. GRCh37 (hg19) VCF-style: chr5-176815060-T-C.
Other names: c.710T>C, p.Leu237Pro (NM_001167579.2); short protein forms L237P.
Identifiers: ClinVar variation 1518519 (VCV001518519.8), dbSNP rs773052828, ClinGen allele CA3580504.

ClinVar aggregate classification (germline): Uncertain significance (1 of 4 stars; one submission).

Allele frequency attached by ClinVar (database versions not stated): gnomAD exomes below 0.00001; ExAC 0.00001.
gnomAD v4.1: 1 of 1,614,092 alleles (0.000062%); highest among the groups gnomAD compares: Non-Finnish European, 0.000085%; no homozygotes.

Submission:

Labcorp Genetics (formerly Invitae), Labcorp
Classification: Uncertain significance. Last evaluated: 2021-03-23. Review status: criteria provided, single submitter. Criteria: Invitae Variant Classification Sherloc (09022015). Collection method: clinical testing. Allele origin: germline.
Comment: This sequence change replaces leucine with proline at codon 237 of the SLC34A1 protein (p.Leu237Pro). The leucine residue is highly conserved and there is a moderate physicochemical difference between leucine and proline. This variant is present in population databases (rs773052828, ExAC 0.002%). This variant has not been reported in the literature in individuals with SLC34A1-related conditions. Algorithms developed to predict the effect of missense changes on protein structure and function (SIFT, PolyPhen-2, Align-GVGD) all suggest that this variant is likely to be disruptive, but these predictions have not been confirmed by published functional studies and their clinical significance is uncertain. In summary, the available evidence is currently insufficient to determine the role of this variant in disease. Therefore, it has been classified as a Variant of Uncertain Significance.